The following is an entry in ClinVar:

NM_031220.4(PITPNM3):c.2525C>T (p.Thr842Met)

Gene: PITPNM3 (PITPNM family member 3; minus strand). Cytogenetic location: 17p13.2.
Variant type: single nucleotide variant.
Coding change: c.2525C>T on transcript NM_031220.4 (MANE Select); coding-DNA position 2525, C replaced by T.
Protein change: p.Thr842Met; replaces threonine 842 with methionine.
Molecular consequence: missense variant.
Genome position (GRCh38, 1-based): chr17:6,457,688, G>A on the plus strand (C>T on the coding strand, the complement: PITPNM3 is on the minus strand). VCF-style: chr17-6457688-G-A. GRCh37 (hg19) VCF-style: chr17-6361008-G-A.
Other names: c.2417C>T, p.Thr806Met (NM_001165966.2); c.2525C>T (NM_031220.3); short protein forms T842M, T806M.
Identifiers: ClinVar variation 1517278 (VCV001517278.9), dbSNP rs781534786, ClinGen allele CA8329141.

ClinVar aggregate classification (germline): Uncertain significance. Review status: criteria provided, multiple submitters, no conflicts (2 of 4 stars). 2 submissions from 2 submitters: Uncertain significance (2). Last evaluated 2024-12-04.

Allele frequency attached by ClinVar (database versions not stated): gnomAD 0.00001; gnomAD exomes 0.00001; TOPMed 0.00001; ExAC 0.00002.
gnomAD v4.1: 10 of 1,603,064 alleles (0.00062%); highest among the groups gnomAD compares: South Asian, 0.0067%; no homozygotes.

Submissions (2):

Ambry Genetics
Classification: Uncertain significance. Last evaluated: 2024-12-04. Review status: criteria provided, single submitter. Criteria: Ambry Variant Classification Scheme 2023. Collection method: clinical testing. Allele origin: germline.

Labcorp Genetics (formerly Invitae), Labcorp
Classification: Uncertain significance. Last evaluated: 2021-03-30. Review status: criteria provided, single submitter. Criteria: Invitae Variant Classification Sherloc (09022015). Collection method: clinical testing. Allele origin: germline.
Comment: This sequence change replaces threonine with methionine at codon 842 of the PITPNM3 protein (p.Thr842Met). The threonine residue is moderately conserved and there is a moderate physicochemical difference between threonine and methionine. This variant is present in population databases (rs781534786, ExAC 0.009%). This variant has not been reported in the literature in individuals with PITPNM3-related conditions. In summary, the available evidence is currently insufficient to determine the role of this variant in disease. Therefore, it has been classified as a Variant of Uncertain Significance. Algorithms developed to predict the effect of missense changes on protein structure and function output the following: SIFT: "Tolerated"; PolyPhen-2: "Benign"; Align-GVGD: "Class C0". The methionine amino acid residue is found in multiple mammalian species, suggesting that this missense change does not adversely affect protein function. These predictions have not been confirmed by published functional studies and their clinical significance is uncertain.